The following is an entry in ClinVar:

ClinVar aggregate classification (germline): Likely benign (0 of 4 stars; one submission).

Conditions:
DROSHA-related disorder. Also called: DROSHA-related condition.

Submission:

PreventionGenetics, part of Exact Sciences
Classification: Likely benign for DROSHA-related condition. Last evaluated: 2022-05-04. Review status: no assertion criteria provided. Collection method: clinical testing. Allele origin: germline.
Comment: This variant is classified as likely benign based on ACMG/AMP sequence variant interpretation guidelines (Richards et al. 2015 PMID: 25741868, with internal and published modifications).

NM_001382508.1(DROSHA):c.876C>T (p.His292=)

Gene: DROSHA (drosha ribonuclease III; minus strand). Cytogenetic location: 5p13.3.
Variant type: single nucleotide variant.
Coding change: c.876C>T on transcript NM_001382508.1 (MANE Select); coding-DNA position 876, C replaced by T.
Protein change: p.His292=; no amino-acid change (histidine 292 retained).
Molecular consequence: synonymous variant.
Genome position (GRCh38, 1-based): chr5:31,521,194, G>A on the plus strand (C>T on the coding strand, the complement: DROSHA is on the minus strand). VCF-style: chr5-31521194-G-A. GRCh37 (hg19) VCF-style: chr5-31521301-G-A.
Other names: c.876C>T, p.His292= (NM_001100412.2, NM_013235.5).
Identifiers: ClinVar variation 3046800 (VCV003046800.2), dbSNP rs2478399957, ClinGen allele CA443641798.